The following is an entry in ClinVar:

ClinVar aggregate classification (germline): Likely benign (1 of 4 stars; one submission).

Allele frequency attached by ClinVar (database versions not stated): gnomAD 0.00413 and 0.00448; 1000 Genomes Project 0.00479; 1000 Genomes Project 30x 0.00484; TOPMed 0.00505.
gnomAD v4.1: 624 of 152,336 alleles (0.41%); highest among the groups gnomAD compares: African/African-American, 1.4%; 7 homozygotes.

Submission:

GeneDx
Classification: Likely benign. Last evaluated: 2018-06-16. Review status: criteria provided, single submitter. Criteria: GeneDx Variant Classification (06012015). Collection method: clinical testing. Allele origin: germline. Affected: yes.
Comment: This variant is considered likely benign or benign based on one or more of the following criteria: it is a conservative change, it occurs at a poorly conserved position in the protein, it is predicted to be benign by multiple in silico algorithms, and/or has population frequency not consistent with disease.

NM_000257.4(MYH7):c.2679+260C>G

Genes: MYH7 (myosin heavy chain 7; minus strand), LOC126861898 (BRD4-independent group 4 enhancer GRCh37_chr14:23893609-23894808; plus strand). Cytogenetic location: 14q11.2.
Variant type: single nucleotide variant.
Coding change: c.2679+260C>G on transcript NM_000257.4 (MANE Select); 260 bases into the intron after coding-DNA position 2679, C replaced by G.
Molecular consequence: intron variant.
Genome position (GRCh38, 1-based): chr14:23,424,509, G>C on the plus strand (C>G on the coding strand, the complement: MYH7 is on the minus strand). VCF-style: chr14-23424509-G-C. GRCh37 (hg19) VCF-style: chr14-23893718-G-C.
Identifiers: ClinVar variation 668763 (VCV000668763.1), dbSNP rs57800623, ClinGen allele CA257819172.